The following is an entry in ClinVar:

ClinVar aggregate classification (germline): Conflicting classifications of pathogenicity. Review status: criteria provided, conflicting classifications (1 of 4 stars). 2 submissions from 2 submitters: Uncertain significance (1); Likely benign (1). Last evaluated 2024-06-19.

Conditions:
Hereditary cancer-predisposing syndrome. Also called: Tumor predisposition; Hereditary Cancer Syndrome; Neoplastic Syndromes, Hereditary; Hereditary neoplastic syndrome. Identifiers: Orphanet 140162, MedGen C0027672, MeSH D009386, MONDO:0015356.
Hereditary breast ovarian cancer syndrome. Also called: Breast and ovarian cancer; Hereditary breast and ovarian cancer; Hereditary breast and ovarian cancer syndrome; Hereditary breast and/or ovarian cancer syndrome; BRCA1- and BRCA2-Associated Hereditary Breast and Ovarian Cancer; Hereditary breast and ovarian cancer syndrome (HBOC). Identifiers: Orphanet 145, MedGen C0677776, MeSH D061325, MONDO:0003582. Disease mechanism: loss of function.

Submissions (3):

Labcorp Genetics (formerly Invitae), Labcorp
Classification: Uncertain significance for Hereditary breast ovarian cancer syndrome. Last evaluated: 2024-06-19. Review status: criteria provided, single submitter. Criteria: Invitae Variant Classification Sherloc (09022015). Collection method: clinical testing. Allele origin: germline.
Comment: This sequence change replaces tyrosine, which is neutral and polar, with cysteine, which is neutral and slightly polar, at codon 1845 of the BRCA1 protein (p.Tyr1845Cys). This variant is not present in population databases (gnomAD no frequency). This variant has not been reported in the literature in individuals affected with BRCA1-related conditions. ClinVar contains an entry for this variant (Variation ID: 233238). Advanced modeling performed at Invitae incorporating data from internal and/or published experimental studies (PMID: 30209399) indicates that this missense variant is not expected to disrupt BRCA1 function with a negative predictive value of 95%. In summary, the available evidence is currently insufficient to determine the role of this variant in disease. Therefore, it has been classified as a Variant of Uncertain Significance.

Ambry Genetics
Classification: Likely benign for Hereditary cancer-predisposing syndrome. Last evaluated: 2021-05-20. Review status: criteria provided, single submitter. Criteria: Ambry Variant Classification Scheme 2023. Collection method: clinical testing. Allele origin: germline.

Brotman Baty Institute, University of Washington
No classification provided (evidence only). Condition: Breast-ovarian cancer, familial 1. Review status: no classification provided. Collection method: in vitro. Allele origin: not applicable. Functional consequence: functionally_normal. Not counted in ClinVar's aggregate classification.
ClinVar note: "not provided" was previously submitted as the classification for the variant. However, the classification appeared to be based only on an observation of functional data so it was converted to no classification on 2025-07-30.

Literature cited by the submitters: PubMed 30209399 (cited by Labcorp Genetics (formerly Invitae), Labcorp and Ambry Genetics).

NM_007294.4(BRCA1):c.5534A>G (p.Tyr1845Cys)

Gene: BRCA1 (BRCA1 DNA repair associated; minus strand). Cytogenetic location: 17q21.31.
Variant type: single nucleotide variant.
Coding change: c.5534A>G on transcript NM_007294.4 (MANE Select); coding-DNA position 5534, A replaced by G.
Protein change: p.Tyr1845Cys; replaces tyrosine 1845 with cysteine.
Molecular consequence: missense variant. On other transcripts: 3 prime UTR variant (1), non-coding transcript variant (1).
Genome position (GRCh38, 1-based): chr17:43,045,736, T>C on the plus strand (A>G on the coding strand, the complement: BRCA1 is on the minus strand). VCF-style: chr17-43045736-T-C. GRCh37 (hg19) VCF-style: chr17-41197753-T-C.
Other names: c.5321A>G, p.Tyr1774Cys (NM_001407896.1, NM_001407897.1, NM_001407571.1 and 12 more transcripts); c.5318A>G, p.Tyr1773Cys (NM_001407915.1, NM_001407916.1, NM_001407917.1 and 1 more transcripts); c.5282A>G, p.Tyr1761Cys (NM_001407919.1); c.5270A>G, p.Tyr1757Cys (NM_001407920.1, NM_001407921.1, NM_001407922.1 and 4 more transcripts); c.5264A>G, p.Tyr1755Cys (NM_001407934.1, NM_001407935.1, NM_001407936.1); c.*48A>G (NM_001407937.1, NM_001407938.1, NM_001407939.1 and 14 more transcripts); c.5201A>G, p.Tyr1734Cys (NM_001407946.1, NM_001407947.1, NM_001407948.1 and 1 more transcripts); c.5198A>G, p.Tyr1733Cys (NM_001407950.1, NM_001407951.1, NM_001407952.1 and 3 more transcripts); and 74 more; short protein forms Y1845C, Y1866C, Y1798C, Y741C, Y1548C, Y1549C, Y1676C, Y1775C.
Identifiers: ClinVar variation 233238 (VCV000233238.14), dbSNP rs876660280, ClinGen allele CA10580481.